The following is an entry in ClinVar:

ClinVar aggregate classification (germline): Benign/Likely benign. Review status: criteria provided, multiple submitters, no conflicts (2 of 4 stars). 20 submissions from 18 submitters: Benign (12); Likely benign (1). 7 of the submissions do not count toward it. Last evaluated 2026-02-04.

Conditions:
Amyotrophic lateral sclerosis type 4 (ALS4). Also called: AMYOTROPHIC LATERAL SCLEROSIS 4, JUVENILE; NEURONOPATHY, DISTAL HEREDITARY MOTOR, WITH PYRAMIDAL FEATURES. Identifiers: Orphanet 357043, MedGen C1865409, MONDO:0011223, OMIM 602433.
Spinocerebellar ataxia, autosomal recessive, with axonal neuropathy 2 (SCAN2). Also called: Ataxia-ocular apraxia-2; Ataxia with Oculomotor Apraxia Type 2; ATAXIA-OCULOMOTOR APRAXIA 2; Ataxia with Oculomotor Apraxia. Identifiers: Orphanet 64753, MedGen C1853761, MONDO:0018996, OMIM 606002.

Allele frequency attached by ClinVar (database versions not stated): gnomAD 0.31936 and 0.31596; 1000 Genomes Project 0.44309; gnomAD exomes 0.19685 and 0.26596; ExAC 0.27579; ESP Exome Variant Server 0.30678; TOPMed 0.33511; 1000 Genomes Project 30x 0.44222.
gnomAD v4.1: 338,667 of 1,612,270 alleles (21%); highest among the groups gnomAD compares: East Asian, 71%; 51,750 homozygotes.

Submissions (20):

Labcorp Genetics (formerly Invitae), Labcorp
Classification: Benign for Amyotrophic lateral sclerosis type 4; Spinocerebellar ataxia, autosomal recessive, with axonal neuropathy 2. Last evaluated: 2026-02-04. Review status: criteria provided, single submitter. Criteria: Invitae Variant Classification Sherloc (09022015). Collection method: clinical testing. Allele origin: germline.

Blueprint Genetics
Classification: Likely benign. Last evaluated: 2024-11-27. Review status: criteria provided, single submitter. Criteria: ACMG Guidelines, 2015. Collection method: clinical testing. Allele origin: germline.

Genome-Nilou Lab
Classification: Benign for Spinocerebellar ataxia, autosomal recessive, with axonal neuropathy 2. Last evaluated: 2023-02-08. Review status: criteria provided, single submitter. Criteria: ACMG Guidelines, 2015. Collection method: clinical testing. Allele origin: germline.

Genome-Nilou Lab
Classification: Benign for Amyotrophic lateral sclerosis type 4. Last evaluated: 2023-02-08. Review status: criteria provided, single submitter. Criteria: ACMG Guidelines, 2015. Collection method: clinical testing. Allele origin: germline.

GeneDx
Classification: Benign. Last evaluated: 2018-07-03. Review status: criteria provided, single submitter. Criteria: GeneDx Variant Classification Process June 2021. Collection method: clinical testing. Allele origin: germline. Affected: yes.

Illumina Laboratory Services, Illumina
Classification: Benign for Amyotrophic lateral sclerosis type 4. Last evaluated: 2018-01-12. Review status: criteria provided, single submitter. Criteria: ICSL Variant Classification Criteria 13 December 2019. Collection method: clinical testing. Allele origin: germline.
Comment: This variant was observed in the ICSL laboratory as part of a predisposition screen in an ostensibly healthy population. It had not been previously curated by ICSL or reported in the Human Gene Mutation Database (HGMD: prior to June 1st, 2018), and was therefore a candidate for classification through an automated scoring system. Utilizing variant allele frequency, disease prevalence and penetrance estimates, and inheritance mode, an automated score was calculated to assess if this variant is too frequent to cause the disease. Based on the score and internal cut-off values, a variant classified as benign is not then subjected to further curation. The score for this variant resulted in a classification of benign for this disease.

Illumina Laboratory Services, Illumina
Classification: Benign for Spinocerebellar ataxia, autosomal recessive, with axonal neuropathy 2. Last evaluated: 2018-01-12. Review status: criteria provided, single submitter. Criteria: ICSL Variant Classification Criteria 13 December 2019. Collection method: clinical testing. Allele origin: germline.
Comment: the same text as in the submission from Illumina Laboratory Services, Illumina above.

Athena Diagnostics
Classification: Benign. Last evaluated: 2017-04-12. Review status: criteria provided, single submitter. Criteria: Athena Diagnostics Criteria. Collection method: clinical testing. Allele origin: germline.

Laboratory for Molecular Medicine, Mass General Brigham Personalized Medicine
Classification: Benign. Last evaluated: 2016-03-29. Review status: criteria provided, single submitter. Criteria: LMM Criteria. Collection method: clinical testing. Allele origin: germline.
Comment: Variant identified in a genome or exome case(s) and assessed due to predicted null impact of the variant or pathogenic assertions in the literature or databases. Disclaimer: This variant has not undergone full assessment. The following are preliminary notes: MAF

Mayo Clinic Laboratories, Mayo Clinic
Classification: Benign. Last evaluated: 2015-10-02. Review status: criteria provided, single submitter. Criteria: ACMG Guidelines, 2015. Collection method: clinical testing. Allele origin: germline. Observed: 891 variant alleles.

Eurofins Ntd Llc (ga)
Classification: Benign. Last evaluated: 2012-08-14. Review status: criteria provided, single submitter. Criteria: EGL Classification Definitions 2015. Collection method: clinical testing. Allele origin: germline. Observed: 3 variant alleles, 2 heterozygotes, 1 homozygote.

Breakthrough Genomics
Classification: Benign. Review status: criteria provided, single submitter. Criteria: ACMG Guidelines, 2015. Collection method: not provided. Allele origin: germline. Inheritance: Autosomal recessive inheritance. Affected: yes.

PreventionGenetics, part of Exact Sciences
Classification: Benign. Review status: criteria provided, single submitter. Criteria: ACMG Guidelines, 2015. Collection method: clinical testing. Allele origin: germline.

Clinical Genetics DNA and cytogenetics Diagnostics Lab, Erasmus MC, Erasmus Medical Center
Classification: Benign. Review status: no assertion criteria provided. Collection method: clinical testing. Allele origin: germline. Affected: yes. Study: VKGL Data-share Consensus. Not counted in ClinVar's aggregate classification.

Clinical Genetics, Academic Medical Center
Classification: Benign. Review status: no assertion criteria provided. Collection method: clinical testing. Allele origin: germline. Affected: yes. Study: VKGL Data-share Consensus. Not counted in ClinVar's aggregate classification.

Diagnostic Laboratory, Department of Genetics, University Medical Center Groningen
Classification: Benign. Review status: no assertion criteria provided. Collection method: clinical testing. Allele origin: germline. Affected: yes. Study: VKGL Data-share Consensus. Not counted in ClinVar's aggregate classification.

Genetic Services Laboratory, University of Chicago
Classification: Likely benign for AllHighlyPenetrant. Review status: no assertion criteria provided. Collection method: clinical testing. Allele origin: germline. Not counted in ClinVar's aggregate classification.
Comment: Likely benign based on allele frequency in 1000 Genomes Project or ESP global frequency and its presence in a patient with a rare or unrelated disease phenotype. NOT Sanger confirmed.

Genome Diagnostics Laboratory, Amsterdam University Medical Center
Classification: Benign. Review status: no assertion criteria provided. Collection method: clinical testing. Allele origin: germline. Affected: yes. Study: VKGL Data-share Consensus. Not counted in ClinVar's aggregate classification.

Genome Diagnostics Laboratory, University Medical Center Utrecht
Classification: Benign. Review status: no assertion criteria provided. Collection method: clinical testing. Allele origin: germline. Affected: yes. Study: VKGL Data-share Consensus. Not counted in ClinVar's aggregate classification.

Joint Genome Diagnostic Labs from Nijmegen and Maastricht, Radboudumc and MUMC+
Classification: Benign. Review status: no assertion criteria provided. Collection method: clinical testing. Allele origin: germline. Affected: yes. Study: VKGL Data-share Consensus. Not counted in ClinVar's aggregate classification.

NM_015046.7(SETX):c.5563A>G (p.Thr1855Ala)

Gene: SETX (senataxin; minus strand). Cytogenetic location: 9q34.13.
Variant type: single nucleotide variant.
Coding change: c.5563A>G on transcript NM_015046.7 (MANE Select); coding-DNA position 5563, A replaced by G.
Protein change: p.Thr1855Ala; replaces threonine 1855 with alanine.
Molecular consequence: missense variant.
Genome position (GRCh38, 1-based): chr9:132,298,298, T>C on the plus strand (A>G on the coding strand, the complement: SETX is on the minus strand). VCF-style: chr9-132298298-T-C. GRCh37 (hg19) VCF-style: chr9-135173685-T-C.
Other names: c.5563A>G, p.Thr1855Ala (NM_001351527.2, NM_001351528.2); short protein forms T1855A.
Identifiers: ClinVar variation 95665 (VCV000095665.69), dbSNP rs2296871, ClinGen allele CA148723.